The following is an entry in ClinVar:

NM_005911.6(MAT2A):c.511G>A (p.Gly171Ser)

Genes: GGCX (gamma-glutamyl carboxylase; minus strand), MAT2A (methionine adenosyltransferase 2A; plus strand). Cytogenetic location: 2p11.2.
Variant type: single nucleotide variant.
Coding change: c.511G>A on transcript NM_005911.6 (MANE Select); coding-DNA position 511, G replaced by A.
Protein change: p.Gly171Ser; replaces glycine 171 with serine.
Molecular consequence: missense variant.
Genome position (GRCh38, 1-based): chr2:85,541,934, G>A. VCF-style: chr2-85541934-G-A. GRCh37 (hg19) VCF-style: chr2-85769057-G-A.
Other names: short protein forms G171S.
Identifiers: ClinVar variation 936931 (VCV000936931.6), dbSNP rs767382347, ClinGen allele CA1741423.

ClinVar aggregate classification (germline): Uncertain significance. Review status: criteria provided, multiple submitters, no conflicts (2 of 4 stars). 2 submissions from 2 submitters: Uncertain significance (2). Last evaluated 2024-08-27.

Conditions:
Familial thoracic aortic aneurysm and aortic dissection (TAAD). Also called: Thoracic aortic aneurysms and dissections. Identifiers: Orphanet 91387, MedGen C4707243, MONDO:0019625.
Cardiovascular phenotype. Identifiers: MedGen CN230736.

Allele frequency attached by ClinVar (database versions not stated): gnomAD 0.00001; gnomAD exomes 0.00001; TOPMed 0.00001; ExAC 0.00002.

Submissions (2):

Ambry Genetics
Classification: Uncertain significance for Cardiovascular phenotype. Last evaluated: 2024-08-27. Review status: criteria provided, single submitter. Criteria: Ambry Variant Classification Scheme 2023. Collection method: clinical testing. Allele origin: germline.

Labcorp Genetics (formerly Invitae), Labcorp
Classification: Uncertain significance for Familial thoracic aortic aneurysm and aortic dissection. Last evaluated: 2022-05-24. Review status: criteria provided, single submitter. Criteria: Invitae Variant Classification Sherloc (09022015). Collection method: clinical testing. Allele origin: germline.
Comment: In summary, the available evidence is currently insufficient to determine the role of this variant in disease. Therefore, it has been classified as a Variant of Uncertain Significance. Algorithms developed to predict the effect of missense changes on protein structure and function are either unavailable or do not agree on the potential impact of this missense change (SIFT: "Deleterious"; PolyPhen-2: "Benign"; Align-GVGD: "Class C0"). ClinVar contains an entry for this variant (Variation ID: 936931). This variant has not been reported in the literature in individuals affected with MAT2A-related conditions. This variant is present in population databases (rs767382347, gnomAD 0.0009%). This sequence change replaces glycine, which is neutral and non-polar, with serine, which is neutral and polar, at codon 171 of the MAT2A protein (p.Gly171Ser).